The following is an entry in ClinVar:

ClinVar aggregate classification (germline): Uncertain significance (1 of 4 stars; one submission).

Conditions:
Nephronophthisis 14 (NPHP14). Identifiers: Orphanet 2318, MedGen C3539071, MONDO:0013916, OMIM 614844.

Allele frequency attached by ClinVar (database versions not stated): gnomAD 0.00001; TOPMed 0.00001.
gnomAD v4.1: 1 of 1,611,742 alleles (0.000062%); highest among the groups gnomAD compares: African/African-American, 0.0013%; no homozygotes.

Submission:

Labcorp Genetics (formerly Invitae), Labcorp
Classification: Uncertain significance for Nephronophthisis 14. Last evaluated: 2024-11-11. Review status: criteria provided, single submitter. Criteria: Invitae Variant Classification Sherloc (09022015). Collection method: clinical testing. Allele origin: germline.
Comment: This sequence change replaces valine, which is neutral and non-polar, with leucine, which is neutral and non-polar, at codon 6 of the ZNF423 protein (p.Val6Leu). This variant is not present in population databases (gnomAD no frequency). This variant has not been reported in the literature in individuals affected with ZNF423-related conditions. ClinVar contains an entry for this variant (Variation ID: 1361447). An algorithm developed to predict the effect of missense changes on protein structure and function (PolyPhen-2) suggests that this variant is likely to be tolerated. Algorithms developed to predict the effect of sequence changes on RNA splicing suggest that this variant may disrupt the consensus splice site. In summary, the available evidence is currently insufficient to determine the role of this variant in disease. Therefore, it has been classified as a Variant of Uncertain Significance.

NM_001379286.1(ZNF423):c.40+33065G>C

Gene: ZNF423 (zinc finger protein 423; minus strand). Cytogenetic location: 16q12.1.
Variant type: single nucleotide variant.
Coding change: c.40+33065G>C on transcript NM_001379286.1 (MANE Select); 33065 bases into the intron after coding-DNA position 40, G replaced by C.
Molecular consequence: intron variant. On other transcripts: missense variant (1).
Genome position (GRCh38, 1-based): chr16:49,822,670, C>G on the plus strand (G>C on the coding strand, the complement: ZNF423 is on the minus strand). VCF-style: chr16-49822670-C-G. GRCh37 (hg19) VCF-style: chr16-49856581-C-G.
Other names: c.16G>C, p.Val6Leu (NM_015069.5); c.-164-33124G>C (NM_001271620.2); short protein forms V6L.
Identifiers: ClinVar variation 1361447 (VCV001361447.8), dbSNP rs776265059, ClinGen allele CA281242604.